The following is an entry in ClinVar:

ClinVar aggregate classification (germline): Uncertain significance (1 of 4 stars; one submission).

Conditions:
EZH1-related disorder.

Submission:

3billion
Classification: Uncertain significance for EZH1-related disorder. Last evaluated: 2026-01-16. Review status: criteria provided, single submitter. Criteria: ACMG Guidelines, 2015. Collection method: clinical testing. Allele origin: germline. Affected: yes.
Comment: The variant is not observed in the gnomAD v4.1.0 dataset. Predicted Consequence/Location: Missense variant In silico tool predictions suggest damaging effect of the variant on gene or gene product [REVEL: 0.80 (>=0.6, sensitivity 0.68 and specificity 0.92); 3Cnet: 0.94 (> 0.75, sensitivity 0.96 and precision 0.92)]. Therefore, this variant is classified as VUS according to the recommendation of ACMG/AMP guideline.

NM_001991.5(EZH1):c.2048A>G (p.Asn683Ser)

Gene: EZH1 (enhancer of zeste 1 polycomb repressive complex 2 subunit; minus strand). Cytogenetic location: 17q21.2.
Variant type: single nucleotide variant.
Coding change: c.2048A>G on transcript NM_001991.5 (MANE Select); coding-DNA position 2048, A replaced by G.
Protein change: p.Asn683Ser; replaces asparagine 683 with serine.
Molecular consequence: missense variant.
Genome position (GRCh38, 1-based): chr17:42,703,790, T>C on the plus strand (A>G on the coding strand, the complement: EZH1 is on the minus strand). VCF-style: chr17-42703790-T-C. GRCh37 (hg19) VCF-style: chr17-40855808-T-C.
Other names: c.2066A>G, p.Asn689Ser (NM_001321079.2); c.2021A>G, p.Asn674Ser (NM_001321081.2); c.1928A>G, p.Asn643Ser (NM_001321082.2); short protein forms N643S, N674S, N683S, N689S.
Identifiers: ClinVar variation 4855949 (VCV004855949.1).